The following is an entry in ClinVar:

ClinVar aggregate classification (germline): Uncertain significance. Review status: criteria provided, multiple submitters, no conflicts (2 of 4 stars). 3 submissions from 3 submitters: Uncertain significance (3). Last evaluated 2025-11-17.

Conditions:
Aortic aneurysm, familial thoracic 4 (AAT4). Also called: AORTIC ANEURYSM/AORTIC DISSECTION AND PATENT DUCTUS ARTERIOSUS. Identifiers: MedGen C1851504, MONDO:0007568, OMIM 132900.
Familial thoracic aortic aneurysm and aortic dissection (TAAD). Also called: Thoracic aortic aneurysms and dissections. Identifiers: Orphanet 91387, MedGen C4707243, MONDO:0019625.

Submissions (3):

Labcorp Genetics (formerly Invitae), Labcorp
Classification: Uncertain significance for Aortic aneurysm, familial thoracic 4. Last evaluated: 2025-11-17. Review status: criteria provided, single submitter. Criteria: Invitae Variant Classification Sherloc (09022015). Collection method: clinical testing. Allele origin: germline.
Comment: This sequence change replaces phenylalanine, which is neutral and non-polar, with cysteine, which is neutral and slightly polar, at codon 1460 of the MYH11 protein (p.Phe1460Cys). This variant is not present in population databases (gnomAD no frequency). This variant has not been reported in the literature in individuals affected with MYH11-related conditions. ClinVar contains an entry for this variant (Variation ID: 922830). Invitae Evidence Modeling of protein sequence and biophysical properties (such as structural, functional, and spatial information, amino acid conservation, physicochemical variation, residue mobility, and thermodynamic stability) has been performed for this missense variant. However, the output from this modeling did not meet the statistical confidence thresholds required to predict the impact of this variant on MYH11 protein function. In summary, the available evidence is currently insufficient to determine the role of this variant in disease. Therefore, it has been classified as a Variant of Uncertain Significance.

GeneDx
Classification: Uncertain significance. Last evaluated: 2025-01-24. Review status: criteria provided, single submitter. Criteria: GeneDx Variant Classification Process June 2021. Collection method: clinical testing. Allele origin: germline. Affected: yes.
Comment: Not observed at significant frequency in large population cohorts (gnomAD); In silico analysis supports that this missense variant has a deleterious effect on protein structure/function; Has not been previously published as pathogenic or benign to our knowledge

Color Diagnostics, LLC DBA Color Health
Classification: Uncertain significance for Familial thoracic aortic aneurysm and aortic dissection. Last evaluated: 2023-12-05. Review status: criteria provided, single submitter. Criteria: ACMG Guidelines, 2015. Collection method: clinical testing. Allele origin: germline.
Comment: This missense variant replaces phenylalanine with cysteine at codon 1460 of the MYH11 protein. Computational prediction tools and conservation analyses suggest that this variant may have deleterious impact on the protein function. Computational splicing tools suggest that this variant may not impact RNA splicing. To our knowledge, functional assays have not been performed for this variant nor has this variant been reported in individuals affected with cardiovascular disorders in the literature. This variant has not been identified in the general population by the Genome Aggregation Database (gnomAD). Available evidence is insufficient to determine the role of this variant in disease conclusively. Therefore, this variant is classified as a Variant of Uncertain Significance.

NM_002474.3(MYH11):c.4358T>G (p.Phe1453Cys)

Genes: NDE1 (nudE neurodevelopment protein 1; plus strand), MYH11 (myosin heavy chain 11; minus strand). Cytogenetic location: 16p13.11.
Variant type: single nucleotide variant.
Coding change: c.4358T>G on transcript NM_002474.3 (MANE Select); coding-DNA position 4358, T replaced by G.
Protein change: p.Phe1453Cys; replaces phenylalanine 1453 with cysteine.
Molecular consequence: missense variant. On other transcripts: intron variant (2).
Genome position (GRCh38, 1-based): chr16:15,724,168, A>C on the plus strand (T>G on the coding strand, the complement: MYH11 is on the minus strand). VCF-style: chr16-15724168-A-C. GRCh37 (hg19) VCF-style: chr16-15818025-A-C.
Other names: c.4379T>G, p.Phe1460Cys (NM_001040113.2, NM_001040114.2); c.4358T>G, p.Phe1453Cys (NM_022844.3); c.948-23A>C (NM_001143979.2, NM_017668.3); short protein forms F1460C, F1453C.
Identifiers: ClinVar variation 922830 (VCV000922830.7), dbSNP rs151112745, ClinGen allele CA394856858.